The following is an entry in ClinVar:

NM_182894.3(VSX2):c.972_973del (p.Ser325fs)

Gene: VSX2 (visual system homeobox 2; plus strand). Cytogenetic location: 14q24.3.
Variant type: Microsatellite.
Coding change: c.972_973del on transcript NM_182894.3 (MANE Select); coding-DNA positions 972 to 973, 2 bases deleted (GT; older notation c.972_973delGT).
Protein change: p.Ser325fs; shifts the reading frame from serine 325.
Molecular consequence: frameshift variant.
Genome position (GRCh38, 1-based): chr14:74,260,805-74,260,806, GT deleted; deleting any 2 consecutive bases within chr14:74,260,802-74,260,806 gives the same sequence; the c. name uses the placement nearest the transcript's 3' end. VCF-style (leftmost placement, unchanged base first): chr14-74260801-CTG-C. GRCh37 (hg19) VCF-style: chr14-74727504-CTG-C.
Other names: short protein forms S325fs.
Identifiers: ClinVar variation 4817014 (VCV004817014.2).
Genomic context (GRCh38, chr14:74,260,801, plus strand): 5'-AGAACAGCATTGCGGTGCTCCGGGCCAAAGCTCAGGAGCACAGCACCAAAGTGCTGGGGA[CTG>C]TGTCTGGGCCGGACAGCCTGGCCCGGAGTACCGAGAAGCCAGAGGAGGAGGAGGCCATGG-3'

ClinVar aggregate classification (germline): Conflicting classifications of pathogenicity. Review status: criteria provided, conflicting classifications (1 of 4 stars). 2 submissions from 2 submitters: Likely pathogenic (1); Uncertain significance (1). Last evaluated 2026-01-11.

Conditions:
Microphthalmia. Also called: Microphthalmos. Identifiers: MedGen C0026010, MONDO:0021129, HP:0000568.
Microphthalmia, isolated, with coloboma 3 (MCOPCB3). Also called: MICROPHTHALMIA/COLOBOMA 3; MICROPHTHALMIA, COLOBOMATOUS, 3. Identifiers: Orphanet 98938, MedGen C1864721, MONDO:0012408, OMIM 610092.

Submissions (2):

Natera, Inc.
Classification: Likely pathogenic for Microphthalmia. Last evaluated: 2026-01-11. Review status: criteria provided, single submitter. Criteria: Natera Variant Classification Schema (03/2026). Collection method: clinical testing. Allele origin: germline.
Comment: The c.972_973del variant in VSX2 is a frameshift variant predicted to shift the reading frame beginning at codon 325 and leads to a stop codon 20 codons downstream. This variant is expected to result in nonsense mediated decay, truncation, or a dysfunctional protein product. This variant is rare in the general population with a frequency below the threshold expected for the associated phenotype(s). Given the available evidence, this variant is classified as Likely Pathogenic.

Myriad Genetics, Inc.
Classification: Uncertain significance for Microphthalmia, isolated, with coloboma 3. Last evaluated: 2025-09-09. Review status: criteria provided, single submitter. Criteria: Myriad Autosomal Dominant, Autosomal Recessive and X-Linked Classification Criteria (2023). Collection method: clinical testing. Allele origin: unknown.
Comment: NM_182894.2(VSX2):c.972_973delGT(S325Wfs*20) is a frameshift variant classified as a variant of uncertain significance in the context of microphthalmia, anophthalmia, and coloboma, VSX2-related. S325Wfs*20 has not been observed in cases with relevant disease. Relevant functional assessments of this variant are not available in the literature. S325Wfs*20 has not been observed in referenced population frequency databases. In summary, there is insufficient evidence to classify NM_182894.2(VSX2):c.972_973delGT(S325Wfs*20) as pathogenic or benign. Please note: this variant was assessed in the context of healthy population screening.